The following is an entry in ClinVar:

ClinVar aggregate classification (germline): Pathogenic. Review status: criteria provided, single submitter (1 of 4 stars). 4 submissions from 4 submitters: Pathogenic (1). 3 of the submissions do not count toward it. Last evaluated 2021-08-26.

Conditions:
Frank-Ter Haar syndrome. Also called: TER HAAR SYNDROME; MELNICK-NEEDLES SYNDROME, AUTOSOMAL RECESSIVE; Borrone di Rocco Crovato syndrome; BORRONE DERMATOCARDIOSKELETAL SYNDROME. Identifiers: Orphanet 1266, Orphanet 137834, MedGen C1855305, MONDO:0009579, OMIM 249420.

Submissions (4):

Institute of Human Genetics, University of Leipzig Medical Center
Classification: Pathogenic for Frank-Ter Haar syndrome. Last evaluated: 2021-08-26. Review status: criteria provided, single submitter. Criteria: ACMG Guidelines, 2015. Collection method: clinical testing. Allele origin: de novo. Affected: yes.
Comment: This variant was identified as homozygous.

Lupski Lab, Baylor-Hopkins CMG, Baylor College of Medicine
Classification: Likely pathogenic for Frank Ter Haar syndrome. Last evaluated: 2017-06-01. Review status: no assertion criteria provided. Collection method: research. Allele origin: unknown. Affected: yes. Not counted in ClinVar's aggregate classification.

OMIM
Classification: Pathogenic for FRANK-TER HAAR SYNDROME. Last evaluated: 2010-02-12. Review status: no assertion criteria provided. Collection method: literature only. Allele origin: germline. Not counted in ClinVar's aggregate classification.

Laboratoires de Diagnostic Génétique, Hôpitaux Universitaires de Strasbourg
Classification: Pathogenic for Frank-Ter Haar syndrome. Review status: no assertion criteria provided. Collection method: clinical testing. Allele origin: inherited. Inheritance: Autosomal recessive inheritance. Affected: yes. Not counted in ClinVar's aggregate classification.

Literature cited by the submitters: PubMed 29276006 (cited by Lupski Lab, Baylor-Hopkins CMG, Baylor College of Medicine); PubMed 15523657 (cited by OMIM); PubMed 20137777 (cited by OMIM).

NM_001017995.3(SH3PXD2B):c.969del (p.Arg324fs)

Gene: SH3PXD2B (SH3 and PX domains 2B; minus strand). Cytogenetic location: 5q35.1.
Variant type: Deletion.
Coding change: c.969del on transcript NM_001017995.3 (MANE Select); coding-DNA position 969, one base deleted (G; older notation c.969delG).
Protein change: p.Arg324fs; shifts the reading frame from arginine 324.
Molecular consequence: frameshift variant.
Genome position (GRCh38, 1-based): chr5:172,350,406, C deleted on the plus strand (G on the coding strand, the reverse complement: SH3PXD2B is on the minus strand); the first of 3 consecutive C bases (chr5:172,350,406-172,350,408); deleting any one gives the same sequence. VCF-style (leftmost placement, unchanged base first): chr5-172350405-GC-G. GRCh37 (hg19) VCF-style: chr5-171777409-GC-G.
Other names: c.969del, p.Arg324fs (NM_001308175.2); c.969delG (NM_001017995.2); short protein forms R324fs.
Identifiers: ClinVar variation 189 (VCV000000189.4), dbSNP rs794728006, ClinGen allele CA114028.